The following is an entry in ClinVar:

NM_001376571.1(MADD):c.640A>G (p.Ile214Val)

Gene: MADD (MAP kinase activating death domain; plus strand). Cytogenetic location: 11p11.2.
Variant type: single nucleotide variant.
Coding change: c.640A>G on transcript NM_001376571.1 (MANE Select); coding-DNA position 640, A replaced by G.
Protein change: p.Ile214Val; replaces isoleucine 214 with valine.
Molecular consequence: missense variant. On other transcripts: non-coding transcript variant (8), intron variant (1).
Genome position (GRCh38, 1-based): chr11:47,275,140, A>G. VCF-style: chr11-47275140-A-G. GRCh37 (hg19) VCF-style: chr11-47296691-A-G.
Other names: c.640A>G, p.Ile214Val (NM_001135943.2, NM_001135944.2, NM_001376572.1 and 80 more transcripts); c.436A>G, p.Ile146Val (NM_001376620.1, NM_001376626.1, NM_001376627.1 and 9 more transcripts); c.-7-759A>G (NM_001376663.1); short protein forms I146V, I214V.
Identifiers: ClinVar variation 2682541 (VCV002682541.1), dbSNP rs769284685, ClinGen allele CA5973919.

ClinVar aggregate classification (germline): Uncertain significance (1 of 4 stars; one submission).

Allele frequency attached by ClinVar (database versions not stated): gnomAD exomes below 0.00001; gnomAD 0.00001; TOPMed 0.00001; ExAC 0.00002.
gnomAD v4.1: 5 of 1,613,580 alleles (0.00031%); highest among the groups gnomAD compares: East Asian, 0.0089%; no homozygotes.

Submission:

Women's Health and Genetics/Laboratory Corporation of America, LabCorp
Classification: Uncertain significance. Last evaluated: 2023-11-15. Review status: criteria provided, single submitter. Criteria: LabCorp Variant Classification Summary - May 2015. Collection method: clinical testing. Allele origin: germline.
Comment: Variant summary: MADD c.640A>G (p.Ile214Val) results in a conservative amino acid change located in the cDENN domain (IPR001194) of the encoded protein sequence. Four of five in-silico tools predict a benign effect of the variant on protein function. The variant allele was found at a frequency of 1.6e-05 in 248728 control chromosomes (gnomAD). The available data on variant occurrences in the general population are insufficient to allow any conclusion about variant significance. To our knowledge, no occurrence of c.640A>G in individuals affected with MADD-Related Disorders and no experimental evidence demonstrating its impact on protein function have been reported. No submitters have cited clinical-significance assessments for this variant to ClinVar after 2014. Based on the evidence outlined above, the variant was classified as uncertain significance.